The following is an entry in ClinVar:

ClinVar aggregate classification (germline): Uncertain significance (1 of 4 stars; one submission).

Conditions:
Glutamate formiminotransferase deficiency. Also called: Arakawa syndrome 1; Formiminoglutamic aciduria. Identifiers: Orphanet 51208, MedGen C0268609, MONDO:0009240, OMIM 229100.

Submission:

Labcorp Genetics (formerly Invitae), Labcorp
Classification: Uncertain significance for Glutamate formiminotransferase deficiency. Last evaluated: 2025-12-02. Review status: criteria provided, single submitter. Criteria: Invitae Variant Classification Sherloc (09022015). Collection method: clinical testing. Allele origin: germline.
Comment: This sequence change replaces serine, which is neutral and polar, with glycine, which is neutral and non-polar, at codon 170 of the FTCD protein (p.Ser170Gly). This variant is not present in population databases (gnomAD no frequency). This variant has not been reported in the literature in individuals affected with FTCD-related conditions. Invitae Evidence Modeling of protein sequence and biophysical properties (such as structural, functional, and spatial information, amino acid conservation, physicochemical variation, residue mobility, and thermodynamic stability) indicates that this missense variant is not expected to disrupt FTCD protein function with a negative predictive value of 80%. In summary, the available evidence is currently insufficient to determine the role of this variant in disease. Therefore, it has been classified as a Variant of Uncertain Significance.

NM_206965.2(FTCD):c.508A>G (p.Ser170Gly)

Genes: FTCD-AS1 (FTCD antisense RNA 1; plus strand), FTCD (formimidoyltransferase cyclodeaminase; minus strand). Cytogenetic location: 21q22.3.
Variant type: single nucleotide variant.
Coding change: c.508A>G on transcript NM_206965.2 (MANE Select); coding-DNA position 508, A replaced by G.
Protein change: p.Ser170Gly; replaces serine 170 with glycine.
Molecular consequence: missense variant. On other transcripts: non-coding transcript variant (1).
Genome position (GRCh38, 1-based): chr21:46,151,686, T>C on the plus strand (A>G on the coding strand, the complement: FTCD is on the minus strand). VCF-style: chr21-46151686-T-C. GRCh37 (hg19) VCF-style: chr21-47571600-T-C.
Other names: c.508A>G, p.Ser170Gly (NM_001320412.2, NM_006657.3); short protein forms S170G.
Identifiers: ClinVar variation 4805910 (VCV004805910.1).